The following is an entry in ClinVar:

ClinVar aggregate classification (germline): Uncertain significance (1 of 4 stars; one submission).

Conditions:
Dilated cardiomyopathy 1DD (CMD1DD). Identifiers: Orphanet 154, MedGen C2750995, MONDO:0013168, OMIM 613172.

Submission:

Labcorp Genetics (formerly Invitae), Labcorp
Classification: Uncertain significance for Dilated cardiomyopathy 1DD. Last evaluated: 2023-06-02. Review status: criteria provided, single submitter. Criteria: Invitae Variant Classification Sherloc (09022015). Collection method: clinical testing. Allele origin: germline.
Comment: This sequence change replaces lysine, which is basic and polar, with threonine, which is neutral and polar, at codon 736 of the RBM20 protein (p.Lys736Thr). This variant is not present in population databases (gnomAD no frequency). This variant has not been reported in the literature in individuals affected with RBM20-related conditions. Advanced modeling of protein sequence and biophysical properties (such as structural, functional, and spatial information, amino acid conservation, physicochemical variation, residue mobility, and thermodynamic stability) performed at Invitae indicates that this missense variant is not expected to disrupt RBM20 protein function. In summary, the available evidence is currently insufficient to determine the role of this variant in disease. Therefore, it has been classified as a Variant of Uncertain Significance.

NM_001134363.3(RBM20):c.2207A>C (p.Lys736Thr)

Gene: RBM20 (RNA binding motif protein 20; plus strand). Cytogenetic location: 10q25.2.
Variant type: single nucleotide variant.
Coding change: c.2207A>C on transcript NM_001134363.3 (MANE Select); coding-DNA position 2207, A replaced by C.
Protein change: p.Lys736Thr; replaces lysine 736 with threonine.
Molecular consequence: missense variant.
Genome position (GRCh38, 1-based): chr10:110,812,604, A>C. VCF-style: chr10-110812604-A-C. GRCh37 (hg19) VCF-style: chr10-112572362-A-C.
Other names: short protein forms K736T.
Identifiers: ClinVar variation 2980299 (VCV002980299.3), dbSNP rs2493474673, ClinGen allele CA378372659.